The following is an entry in ClinVar:

ClinVar aggregate classification (germline): Uncertain significance (1 of 4 stars; one submission).

Conditions:
Brugada syndrome 8 (BRGDA8). Identifiers: Orphanet 130, MedGen C2751083, MONDO:0013148, OMIM 613123.

Submission:

Labcorp Genetics (formerly Invitae), Labcorp
Classification: Uncertain significance for Brugada syndrome 8. Last evaluated: 2023-12-01. Review status: criteria provided, single submitter. Criteria: Invitae Variant Classification Sherloc (09022015). Collection method: clinical testing. Allele origin: germline.
Comment: This sequence change replaces arginine, which is basic and polar, with tryptophan, which is neutral and slightly polar, at codon 524 of the HCN4 protein (p.Arg524Trp). This variant is not present in population databases (gnomAD no frequency). This variant has not been reported in the literature in individuals affected with HCN4-related conditions. Advanced modeling of protein sequence and biophysical properties (such as structural, functional, and spatial information, amino acid conservation, physicochemical variation, residue mobility, and thermodynamic stability) has been performed at Invitae for this missense variant, however the output from this modeling did not meet the statistical confidence thresholds required to predict the impact of this variant on HCN4 protein function. In summary, the available evidence is currently insufficient to determine the role of this variant in disease. Therefore, it has been classified as a Variant of Uncertain Significance.

NM_005477.3(HCN4):c.1570C>T (p.Arg524Trp)

Gene: HCN4 (hyperpolarization activated cyclic nucleotide gated potassium channel 4; minus strand). Cytogenetic location: 15q24.1.
Variant type: single nucleotide variant.
Coding change: c.1570C>T on transcript NM_005477.3 (MANE Select); coding-DNA position 1570, C replaced by T.
Protein change: p.Arg524Trp; replaces arginine 524 with tryptophan.
Molecular consequence: missense variant.
Genome position (GRCh38, 1-based): chr15:73,329,593, G>A on the plus strand (C>T on the coding strand, the complement: HCN4 is on the minus strand). VCF-style: chr15-73329593-G-A. GRCh37 (hg19) VCF-style: chr15-73621934-G-A.
Other names: short protein forms R524W.
Identifiers: ClinVar variation 2885201 (VCV002885201.3), dbSNP rs756855616, ClinGen allele CA393093408.